The following is an entry in ClinVar:

ClinVar aggregate classification (germline): Uncertain significance (1 of 4 stars; one submission).

Conditions:
Left ventricular noncompaction 1 (LVNC1). Also called: LEFT VENTRICULAR NONCOMPACTION 1 WITH OR WITHOUT CONGENITAL HEART DEFECTS. Identifiers: Orphanet 54260, MedGen C1858725, MONDO:0011403, OMIM 604169.

Submission:

Labcorp Genetics (formerly Invitae), Labcorp
Classification: Uncertain significance for Left ventricular noncompaction 1. Last evaluated: 2022-07-05. Review status: criteria provided, single submitter. Criteria: Invitae Variant Classification Sherloc (09022015). Collection method: clinical testing. Allele origin: germline.
Comment: In summary, the available evidence is currently insufficient to determine the role of this variant in disease. Therefore, it has been classified as a Variant of Uncertain Significance. Algorithms developed to predict the effect of missense changes on protein structure and function output the following: SIFT: "Tolerated"; PolyPhen-2: "Benign"; Align-GVGD: "Class C0". The serine amino acid residue is found in multiple mammalian species, which suggests that this missense change does not adversely affect protein function. ClinVar contains an entry for this variant (Variation ID: 1363830). This variant has not been reported in the literature in individuals affected with DTNA-related conditions. This variant is not present in population databases (gnomAD no frequency). This sequence change replaces glycine, which is neutral and non-polar, with serine, which is neutral and polar, at codon 559 of the DTNA protein (p.Gly559Ser).

NM_001386795.1(DTNA):c.1756G>A (p.Gly586Ser)

Gene: DTNA (dystrobrevin alpha; plus strand). Cytogenetic location: 18q12.1.
Variant type: single nucleotide variant.
Coding change: c.1756G>A on transcript NM_001386795.1 (MANE Select); coding-DNA position 1756, G replaced by A.
Protein change: p.Gly586Ser; replaces glycine 586 with serine.
Molecular consequence: missense variant.
Genome position (GRCh38, 1-based): chr18:34,875,251, G>A. VCF-style: chr18-34875251-G-A. GRCh37 (hg19) VCF-style: chr18-32455215-G-A.
Other names: c.1495G>A, p.Gly499Ser (NM_001198938.2, NM_001198940.2, NM_001386753.1 and 5 more transcripts); c.1516G>A, p.Gly506Ser (NM_001198939.2); c.802G>A, p.Gly268Ser (NM_001198942.1); c.745G>A, p.Gly249Ser (NM_001198943.1); c.631G>A, p.Gly211Ser (NM_001198944.1); c.1585G>A, p.Gly529Ser (NM_001386754.1, NM_001386755.1, NM_001386756.1 and 3 more transcripts); c.1582G>A, p.Gly528Ser (NM_001386760.1); c.1504G>A, p.Gly502Ser (NM_001386761.1, NM_032975.4); and 5 more; short protein forms G268S, G586S, G207S, G499S, G506S, G528S, G211S, G501S.
Identifiers: ClinVar variation 1363830 (VCV001363830.8), dbSNP rs2150323740, ClinGen allele CA402177664.
Genomic context (GRCh38, chr18:34,875,251, plus strand): 5'-TGACATTTTCTTGGGAAAGCAAATTAATGACCTGCATTGTCTCTCCAGACTCAGGGGGCA[G>A]GCTCTCCCCGCTCCTCCCCCAGCCACACCATCAGCAGGCCAATTCCCATGCCCATCCGGT-3'
Protein context (NP_001373724.1, residues 576-596): LMKLLKTQGA[Gly586Ser]SPRSSPSHTI